The following is an entry in ClinVar:

NM_000540.3(RYR1):c.937T>G (p.Phe313Val)

Gene: RYR1 (ryanodine receptor 1; plus strand). Cytogenetic location: 19q13.2.
Variant type: single nucleotide variant.
Coding change: c.937T>G on transcript NM_000540.3 (MANE Select); coding-DNA position 937, T replaced by G.
Protein change: p.Phe313Val; replaces phenylalanine 313 with valine.
Molecular consequence: missense variant.
Genome position (GRCh38, 1-based): chr19:38,448,491, T>G. VCF-style: chr19-38448491-T-G. GRCh37 (hg19) VCF-style: chr19-38939131-T-G.
Other names: c.937T>G, p.Phe313Val (NM_001042723.2); c.937T>G (NM_000540.2); short protein forms F313V.
Identifiers: ClinVar variation 1036307 (VCV001036307.10), dbSNP rs1966905126, ClinGen allele CA405682353.
Genomic context (GRCh38, chr19:38,448,491, plus strand): 5'-ACCGAGGACCAGGGCCTGGTGGTGGTTGACGCCAGCAAGGCTCACACCAAGGCTACCTCC[T>G]TCTGCTTCCGCATCTCCAAGGTCAGTGGGGTTTGTGGCGCCCTCCCTCACCTGAAGCCCC-3'
Protein context (NP_000531.2, residues 303-323): ASKAHTKATS[Phe313Val]CFRISKEKLD

ClinVar aggregate classification (germline): Uncertain significance. Review status: criteria provided, multiple submitters, no conflicts (2 of 4 stars). 2 submissions from 2 submitters: Uncertain significance (2). Last evaluated 2024-10-20.

Conditions:
RYR1-related disorder. Also called: RYR1-related condition; RYR1-related disorders. Identifiers: MedGen CN239331.

Submissions (2):

GeneDx
Classification: Uncertain significance. Last evaluated: 2024-10-20. Review status: criteria provided, single submitter. Criteria: GeneDx Variant Classification Process June 2021. Collection method: clinical testing. Allele origin: germline. Affected: yes.
Comment: Not observed at significant frequency in large population cohorts (gnomAD); In silico analysis supports that this missense variant has a deleterious effect on protein structure/function; Has not been previously published as pathogenic or benign to our knowledge; This variant is associated with the following publications: (PMID: 33767344, 16084090)

Labcorp Genetics (formerly Invitae), Labcorp
Classification: Uncertain significance for RYR1-related disorder. Last evaluated: 2020-01-24. Review status: criteria provided, single submitter. Criteria: Invitae Variant Classification Sherloc (09022015). Collection method: clinical testing. Allele origin: germline.
Comment: In summary, the available evidence is currently insufficient to determine the role of this variant in disease. Therefore, it has been classified as a Variant of Uncertain Significance. This sequence change is located in a region of the RYR1 protein where a significant number of previously reported RYR1 missense mutations are found (PMID: 16084090). Algorithms developed to predict the effect of missense changes on protein structure and function are either unavailable or do not agree on the potential impact of this missense change (SIFT: "Deleterious"; PolyPhen-2: "Probably Damaging"; Align-GVGD: "Class C0"). This variant has not been reported in the literature in individuals with RYR1-related conditions. This variant is not present in population databases (ExAC no frequency). This sequence change replaces phenylalanine with valine at codon 313 of the RYR1 protein (p.Phe313Val). The phenylalanine residue is highly conserved and there is a small physicochemical difference between phenylalanine and valine.

Literature cited by the submitters: PubMed 16084090 (cited by Labcorp Genetics (formerly Invitae), Labcorp).